The following is an entry in ClinVar:

ClinVar aggregate classification (germline): Uncertain significance (1 of 4 stars; one submission).

Conditions:
Cockayne spectrum with or without cerebrooculofacioskeletal syndrome. Identifiers: MedGen CN315928, MONDO:0100506.

Submission:

Myriad Genetics, Inc.
Classification: Uncertain significance for Cockayne spectrum with or without cerebrooculofacioskeletal syndrome. Last evaluated: 2026-04-28. Review status: criteria provided, single submitter. Criteria: Myriad Autosomal Dominant, Autosomal Recessive and X-Linked Classification Criteria (2023). Collection method: clinical testing. Allele origin: unknown.
Comment: NM_000124.2(ERCC6):c.1639G>A(A547T) is a missense variant classified as a variant of uncertain significance in the context of ERCC6-related disorders. A547T has not been observed in cases with relevant disease. Relevant functional assessments of this variant are not available in the literature. A547T has been observed in referenced population frequency databases. In summary, there is insufficient evidence to classify NM_000124.2(ERCC6):c.1639G>A(A547T) as pathogenic or benign. Please note: this variant was assessed in the context of healthy population screening.

NM_000124.4(ERCC6):c.1639G>A (p.Ala547Thr)

Gene: ERCC6 (ERCC excision repair 6, chromatin remodeling factor; minus strand). Cytogenetic location: 10q11.23.
Variant type: single nucleotide variant.
Coding change: c.1639G>A on transcript NM_000124.4 (MANE Select); coding-DNA position 1639, G replaced by A.
Protein change: p.Ala547Thr; replaces alanine 547 with threonine.
Molecular consequence: missense variant.
Genome position (GRCh38, 1-based): chr10:49,500,584, C>T on the plus strand (G>A on the coding strand, the complement: ERCC6 is on the minus strand). VCF-style: chr10-49500584-C-T. GRCh37 (hg19) VCF-style: chr10-50708630-C-T.
Other names: c.1639G>A, p.Ala547Thr (NM_001346440.2); short protein forms A547T.
Identifiers: ClinVar variation 5003346 (VCV005003346.1).